The following is an entry in ClinVar:

ClinVar aggregate classification (germline): Pathogenic. Review status: criteria provided, multiple submitters, no conflicts (2 of 4 stars). 3 submissions from 3 submitters: Pathogenic (3). Last evaluated 2025-05-25.

Conditions:
X-linked agammaglobulinemia with growth hormone deficiency (IGHD3). Also called: HYPOGAMMAGLOBULINEMIA AND ISOLATED GROWTH HORMONE DEFICIENCY, X-LINKED; IGHD III; AGAMMAGLOBULINEMIA AND ISOLATED GROWTH HORMONE DEFICIENCY, X-LINKED; ISOLATED GROWTH HORMONE DEFICIENCY, TYPE III, WITH AGAMMAGLOBULINEMIA; FLEISHER SYNDROME; Isolated growth hormone deficiency type 3. Identifiers: Orphanet 231692, Orphanet 631, MedGen C0472813, MONDO:0010615, OMIM 307200.

Submissions (3):

Labcorp Genetics (formerly Invitae), Labcorp
Classification: Pathogenic for X-linked agammaglobulinemia with growth hormone deficiency. Last evaluated: 2025-05-25. Review status: criteria provided, single submitter. Criteria: Invitae Variant Classification Sherloc (09022015). Collection method: clinical testing. Allele origin: germline.
Comment: This sequence change creates a premature translational stop signal (p.Asn72Ilefs*49) in the BTK gene. It is expected to result in an absent or disrupted protein product. Loss-of-function variants in BTK are known to be pathogenic (PMID: 15661032, 16862044, 19419768). This variant is not present in population databases (gnomAD no frequency). This premature translational stop signal has been observed in individual(s) with agammaglobulinemia (PMID: 33225392). ClinVar contains an entry for this variant (Variation ID: 1325383). For these reasons, this variant has been classified as Pathogenic.

CeGaT Center for Human Genetics Tuebingen
Classification: Pathogenic. Last evaluated: 2024-01-01. Review status: criteria provided, single submitter. Criteria: CeGaT Center For Human Genetics Tuebingen Variant Classification Criteria Version 2. Collection method: clinical testing. Allele origin: germline. Affected: yes. Observed: 1 variant allele.
Comment: BTK: PVS1, PS2, PM2

Revvity Omics, Revvity
Classification: Pathogenic. Last evaluated: 2021-09-16. Review status: criteria provided, single submitter. Criteria: ACMG Guidelines, 2015. Collection method: clinical testing. Allele origin: germline.

Literature cited by the submitters: PubMed 15661032 (cited by Labcorp Genetics (formerly Invitae), Labcorp); PubMed 16862044 (cited by Labcorp Genetics (formerly Invitae), Labcorp); PubMed 19419768 (cited by Labcorp Genetics (formerly Invitae), Labcorp); PubMed 33225392 (cited by Labcorp Genetics (formerly Invitae), Labcorp).

NM_000061.3(BTK):c.215del (p.Asn72fs)

Gene: BTK (Bruton tyrosine kinase; minus strand). Cytogenetic location: Xq22.1.
Variant type: Deletion.
Coding change: c.215del on transcript NM_000061.3 (MANE Select); coding-DNA position 215, one base deleted (A; older notation c.215delA).
Protein change: p.Asn72fs; shifts the reading frame from asparagine 72.
Molecular consequence: frameshift variant.
Genome position (GRCh38, 1-based): chrX:101,374,561, T deleted on the plus strand (A on the coding strand, the reverse complement: BTK is on the minus strand); the first of 7 consecutive T bases (chrX:101,374,561-101,374,567); deleting any one gives the same sequence. VCF-style (leftmost placement, unchanged base first): chrX-101374560-AT-A. GRCh37 (hg19) VCF-style: chrX-100629548-AT-A.
Other names: c.317del, p.Asn106fs (NM_001287344.2); c.215del, p.Asn72fs (NM_001287345.2); short protein forms N106fs, N72fs.
Identifiers: ClinVar variation 1325383 (VCV001325383.34), dbSNP rs886041148, ClinGen allele CA645605207.